The following is an entry in ClinVar:

ClinVar aggregate classification (germline): Likely pathogenic. Review status: criteria provided, multiple submitters, no conflicts (2 of 4 stars). 3 submissions from 3 submitters: Likely pathogenic (3). Last evaluated 2024-10-26.

Conditions:
Renal cysts and diabetes syndrome (RCAD). Also called: Familial hypoplastic, glomerulocystic kidney; MATURITY-ONSET DIABETES OF THE YOUNG, TYPE 5. Identifiers: Orphanet 93111, MedGen C0431693, MONDO:0007669, OMIM 137920.

Submissions (3):

3billion
Classification: Likely pathogenic for Renal cysts and diabetes syndrome. Last evaluated: 2024-10-26. Review status: criteria provided, single submitter. Criteria: ACMG Guidelines, 2015. Collection method: clinical testing. Allele origin: germline. Affected: yes.
Comment: The variant is not observed in the gnomAD v4.1.0 dataset. Predicted Consequence/Location: The variant is located in a mutational hot spot and/or well-established functional domain in which established pathogenic variants have been reported (PMID: 15509593, 12453420). In silico tool predictions suggest damaging effect of the variant on gene or gene product [REVEL: 0.95 (>=0.6, sensitivity 0.68 and specificity 0.92); 3Cnet: 0.86 (>=0.6, sensitivity 0.72 and precision 0.9)]. The same nucleotide change resulting in the same amino acid change has been previously reported as pathogenic/likely pathogenic with strong evidence (ClinVar ID: VCV000635651 /PMID: 20378641). Therefore, this variant is classified as Likely pathogenic according to the recommendation of ACMG/AMP guideline.

Institute of Human Genetics, FAU Erlangen, Friedrich-Alexander-Universität Erlangen-Nürnberg
Classification: Likely pathogenic for Renal cysts and diabetes syndrome. Last evaluated: 2019-07-06. Review status: criteria provided, single submitter. Criteria: ACMG Guidelines, 2015. Collection method: literature only. Allele origin: germline. Affected: yes.
Comment: This variant and it's classification has been reported by Vasileiou et al. 2019; DOI:10.1101/576918. The variants has previously been reported in PMID:20378641; PMID:20378641; PMID:25700310; PMID:20378641; PMID:25536396 as "c.766C->T,p.Pro256Ser; c.766C->T,p.Asn302Lys; c.766C>T; c.766C>T" with clinical significance Pathogenic. It has been re-classified using InterVar and manual curation as Likely pathogenic based on PM1 PM2 PP3 PP5.

Athena Diagnostics
Classification: Likely pathogenic. Last evaluated: 2019-01-10. Review status: criteria provided, single submitter. Criteria: Athena Diagnostics Criteria. Collection method: clinical testing. Allele origin: germline.
Comment: Not found in the total gnomAD dataset, and the data is high quality (0/251088 chr). Found in at least one symptomatic patient. Predicted to have a damaging effect on the protein. Damaging to protein function(s) relevant to disease mechanism.

Literature cited by the submitters: PubMed 20378641 (cited by 3 submitters); PubMed 25700310 (cited by Institute of Human Genetics, FAU Erlangen, Friedrich-Alexander-Universität Erlangen-Nürnberg); PubMed 25536396 (cited by Institute of Human Genetics, FAU Erlangen, Friedrich-Alexander-Universität Erlangen-Nürnberg); DOI 10.1101/576918 (cited by Institute of Human Genetics, FAU Erlangen, Friedrich-Alexander-Universität Erlangen-Nürnberg); PubMed 28215227 (cited by Athena Diagnostics); PubMed 27229139 (cited by Athena Diagnostics).

NM_000458.4(HNF1B):c.766C>T (p.Pro256Ser)

Genes: HNF1B (HNF1 homeobox B; minus strand), LOC126862549 (BRD4-independent group 4 enhancer GRCh37_chr17:36093401-36094600; plus strand). Cytogenetic location: 17q12.
Variant type: single nucleotide variant.
Coding change: c.766C>T on transcript NM_000458.4 (MANE Select); coding-DNA position 766, C replaced by T.
Protein change: p.Pro256Ser; replaces proline 256 with serine.
Molecular consequence: missense variant.
Genome position (GRCh38, 1-based): chr17:37,733,600, G>A on the plus strand (C>T on the coding strand, the complement: HNF1B is on the minus strand). VCF-style: chr17-37733600-G-A. GRCh37 (hg19) VCF-style: chr17-36093593-G-A.
Other names: c.688C>T, p.Pro230Ser (NM_001165923.4, NM_001304286.2); short protein forms P256S, P230S.
Identifiers: ClinVar variation 635651 (VCV000635651.3), dbSNP rs2511808635, ClinGen allele CA398748144.